The following is an entry in ClinVar:

ClinVar aggregate classification (germline): Uncertain significance (1 of 4 stars; one submission).

Conditions:
Fanconi anemia (FA). Also called: Fanconi's anemia. Identifiers: Orphanet 84, MedGen C0015625, MeSH D005199, MONDO:0019391.

Submission:

Labcorp Genetics (formerly Invitae), Labcorp
Classification: Uncertain significance for Fanconi anemia. Last evaluated: 2025-08-04. Review status: criteria provided, single submitter. Criteria: Invitae Variant Classification Sherloc (09022015). Collection method: clinical testing. Allele origin: germline.
Comment: This sequence change replaces isoleucine, which is neutral and non-polar, with phenylalanine, which is neutral and non-polar, at codon 432 of the FANCI protein (p.Ile432Phe). This variant is present in population databases (no rsID available, gnomAD 0.006%). This variant has not been reported in the literature in individuals affected with FANCI-related conditions. An algorithm developed to predict the effect of missense changes on protein structure and function (PolyPhen-2) suggests that this variant is likely to be tolerated. Algorithms developed to predict the effect of sequence changes on RNA splicing suggest that this variant may disrupt the consensus splice site. In summary, the available evidence is currently insufficient to determine the role of this variant in disease. Therefore, it has been classified as a Variant of Uncertain Significance.

NM_001113378.2(FANCI):c.1294A>T (p.Ile432Phe)

Gene: FANCI (FA complementation group I; plus strand). Cytogenetic location: 15q26.1.
Variant type: single nucleotide variant.
Coding change: c.1294A>T on transcript NM_001113378.2 (MANE Select); coding-DNA position 1294, A replaced by T.
Protein change: p.Ile432Phe; replaces isoleucine 432 with phenylalanine.
Molecular consequence: missense variant.
Genome position (GRCh38, 1-based): chr15:89,278,687, A>T. VCF-style: chr15-89278687-A-T. GRCh37 (hg19) VCF-style: chr15-89821918-A-T.
Other names: c.1015A>T, p.Ile339Phe (NM_001376910.1); c.1294A>T, p.Ile432Phe (NM_001376911.1, NM_018193.3); short protein forms I339F, I432F.
Identifiers: ClinVar variation 4702168 (VCV004702168.1).